The following is an entry in ClinVar:

ClinVar aggregate classification (germline): Benign/Likely benign. Review status: criteria provided, multiple submitters, no conflicts (2 of 4 stars). 9 submissions from 9 submitters: Benign (6); Likely benign (1). 2 of the submissions do not count toward it. Last evaluated 2026-02-02.

Conditions:
Pleuropulmonary blastoma (PPB). Identifiers: Orphanet 64742, MedGen C1266144, MONDO:0011014, OMIM 601200, HP:0100528.
Rhabdomyosarcoma, embryonal, 2 (RMSE2). Identifiers: MedGen C1867234, MONDO:0859046, OMIM 180295.
Euthyroid goiter (MNG1). Also called: Goiter, multinodular 1, with or without Sertoli-Leydig cell tumors; SIMPLE GOITER; GOITER, NONTOXIC, WITH INTRATHYROIDAL CALCIFICATION; MULTINODULAR GOITER, ADOLESCENT. Identifiers: Orphanet 276399, MedGen C0302859, MONDO:0007681, OMIM 138800, HP:0009798.
Global developmental delay - lung cysts - overgrowth - Wilms tumor syndrome. Also called: GLOW Syndrome; GLOBAL DEVELOPMENTAL DELAY, LUNG CYSTS, OVERGROWTH, AND WILMS TUMOR. Identifiers: Orphanet 404476, MedGen C4748924, MONDO:0018445, OMIM 618272.
DICER1-related tumor predisposition. Also called: DICER1 syndrome; DICER1-related pleuropulmonary blastoma cancer predisposition syndrome. Identifiers: Orphanet 284343, MedGen C3839822, MONDO:0100216.
Hereditary cancer-predisposing syndrome. Also called: Hereditary neoplastic syndrome; Neoplastic Syndromes, Hereditary; Hereditary Cancer Syndrome; Tumor predisposition. Identifiers: Orphanet 140162, MedGen C0027672, MeSH D009386, MONDO:0015356.

Allele frequency attached by ClinVar (database versions not stated): gnomAD exomes 0.01007; ExAC 0.11221.

Submissions (9):

Labcorp Genetics (formerly Invitae), Labcorp
Classification: Benign for DICER1-related tumor predisposition. Last evaluated: 2026-02-02. Review status: criteria provided, single submitter. Criteria: Invitae Variant Classification Sherloc (09022015). Collection method: clinical testing. Allele origin: germline.

Center for Genomic Medicine, Rigshospitalet, Copenhagen University Hospital
Classification: Likely benign. Last evaluated: 2025-03-04. Review status: criteria provided, single submitter. Criteria: ACMG Guidelines, 2015. Collection method: clinical testing. Allele origin: germline.

Blueprint Genetics
Classification: Benign. Last evaluated: 2024-11-27. Review status: criteria provided, single submitter. Criteria: ACMG Guidelines, 2015. Collection method: clinical testing. Allele origin: germline.

Mayo Clinic Laboratories, Mayo Clinic
Classification: Benign. Last evaluated: 2022-08-05. Review status: criteria provided, single submitter. Criteria: ACMG Guidelines, 2015. Collection method: clinical testing. Allele origin: germline. Observed: 167 variant alleles.
Comment: BA1, BP4

Genetic Services Laboratory, University of Chicago
Classification: Benign. Last evaluated: 2022-01-11. Review status: criteria provided, single submitter. Criteria: ACMG Guidelines, 2015. Collection method: clinical testing. Allele origin: germline. Affected: no.

Department of Pathology and Laboratory Medicine, Sinai Health System
Classification: Benign for Euthyroid goiter; Rhabdomyosarcoma, embryonal, 2; Pleuropulmonary blastoma; Global developmental delay - lung cysts - overgrowth - Wilms tumor syndrome. Last evaluated: 2021-08-18. Review status: criteria provided, single submitter. Criteria: ACMG Guidelines, 2015. Collection method: clinical testing. Allele origin: germline. Affected: yes.

Ambry Genetics
Classification: Benign for Hereditary cancer-predisposing syndrome. Last evaluated: 2019-05-13. Review status: criteria provided, single submitter. Criteria: Ambry Variant Classification Scheme 2023. Collection method: clinical testing. Allele origin: germline.

Diagnostic Laboratory, Department of Genetics, University Medical Center Groningen
Classification: Likely benign. Review status: no assertion criteria provided. Collection method: clinical testing. Allele origin: germline. Affected: yes. Study: VKGL Data-share Consensus. Not counted in ClinVar's aggregate classification.

Genome Diagnostics Laboratory, University Medical Center Utrecht
Classification: Benign. Review status: no assertion criteria provided. Collection method: clinical testing. Allele origin: germline. Affected: yes. Study: VKGL Data-share Consensus. Not counted in ClinVar's aggregate classification.

NM_177438.3(DICER1):c.4206+9del

Gene: DICER1 (dicer 1, ribonuclease III; minus strand). Cytogenetic location: 14q32.13.
Variant type: Deletion.
Coding change: c.4206+9del on transcript NM_177438.3 (MANE Select); 9 bases into the intron after coding-DNA position 4206, one base deleted (G; older notation c.4206+9delG).
Molecular consequence: intron variant.
Genome position (GRCh38, 1-based): chr14:95,099,771, C deleted on the plus strand (G on the coding strand, the reverse complement: DICER1 is on the minus strand). VCF-style (leftmost placement, unchanged base first): chr14-95099770-AC-A. GRCh37 (hg19) VCF-style: chr14-95566107-AC-A.
Other names: p.?; c.4206+9delG (NM_177438.3, NM_177438.2); c.4206+9del (NM_001291628.2, NM_030621.4, NM_001271282.3 and 1 more transcripts).
Identifiers: ClinVar variation 1166424 (VCV001166424.27), dbSNP rs368080354, ClinGen allele CA7330924.